The following is an entry in ClinVar:

ClinVar aggregate classification (germline): Uncertain significance (1 of 4 stars; one submission).

Conditions:
KCNN4-related disorder. Also called: KCNN4-related condition.

Submission:

PreventionGenetics, part of Exact Sciences
Classification: Uncertain significance for KCNN4-related condition. Last evaluated: 2026-03-03. Review status: criteria provided, single submitter. Criteria: ACMG Guidelines, 2015. Collection method: clinical testing. Allele origin: germline.
Comment: The KCNN4 c.422G>A variant is predicted to result in premature protein termination (p.Trp141*). To our knowledge, this variant has not been reported in the literature or public databases. Loss of function is not an established mechanism of KCNN4-related disease. At this time, the clinical significance of this variant is uncertain due to the absence of conclusive functional and genetic evidence.

NM_002250.3(KCNN4):c.422G>A (p.Trp141Ter)

Gene: KCNN4 (potassium calcium-activated channel subfamily N member 4; minus strand). Cytogenetic location: 19q13.31.
Variant type: single nucleotide variant.
Coding change: c.422G>A on transcript NM_002250.3 (MANE Select); coding-DNA position 422, G replaced by A.
Protein change: p.Trp141Ter; replaces tryptophan 141 with a stop codon.
Molecular consequence: nonsense.
Genome position (GRCh38, 1-based): chr19:43,774,453, C>T on the plus strand (G>A on the coding strand, the complement: KCNN4 is on the minus strand). VCF-style: chr19-43774453-C-T. GRCh37 (hg19) VCF-style: chr19-44278605-C-T.
Other names: short protein forms W141*.
Identifiers: ClinVar variation 4992516 (VCV004992516.1).